The following is an entry in ClinVar:

NM_017617.5(NOTCH1):c.1555+245C>T

Gene: NOTCH1 (notch receptor 1; minus strand). Cytogenetic location: 9q34.3.
Variant type: single nucleotide variant.
Coding change: c.1555+245C>T on transcript NM_017617.5 (MANE Select); 245 bases into the intron after coding-DNA position 1555, C replaced by T.
Molecular consequence: intron variant.
Genome position (GRCh38, 1-based): chr9:136,517,027, G>A on the plus strand (C>T on the coding strand, the complement: NOTCH1 is on the minus strand). VCF-style: chr9-136517027-G-A. GRCh37 (hg19) VCF-style: chr9-139411479-G-A.
Identifiers: ClinVar variation 678550 (VCV000678550.1), dbSNP rs3124605, ClinGen allele CA13022453.

ClinVar aggregate classification (germline): Benign (1 of 4 stars; one submission).

Allele frequency attached by ClinVar (database versions not stated): gnomAD 0.43860 and 0.44217; 1000 Genomes Project 30x 0.56496; 1000 Genomes Project 0.56909.
gnomAD v4.1: 63,436 of 144,084 alleles (44%); highest among the groups gnomAD compares: East Asian, 85%; 15,456 homozygotes.

Submission:

GeneDx
Classification: Benign. Last evaluated: 2018-06-16. Review status: criteria provided, single submitter. Criteria: GeneDx Variant Classification (06012015). Collection method: clinical testing. Allele origin: germline. Affected: yes.
Comment: This variant is considered likely benign or benign based on one or more of the following criteria: it is a conservative change, it occurs at a poorly conserved position in the protein, it is predicted to be benign by multiple in silico algorithms, and/or has population frequency not consistent with disease.